The following is an entry in ClinVar:

NM_006231.4(POLE):c.4085del (p.Ile1362fs)

Gene: POLE (DNA polymerase epsilon, catalytic subunit; minus strand). Cytogenetic location: 12q24.33.
Variant type: Deletion.
Coding change: c.4085del on transcript NM_006231.4 (MANE Select); coding-DNA position 4085, one base deleted (T; older notation c.4085delT).
Protein change: p.Ile1362fs; shifts the reading frame from isoleucine 1362.
Molecular consequence: frameshift variant.
Genome position (GRCh38, 1-based): chr12:132,648,993, A deleted on the plus strand (T on the coding strand, the reverse complement: POLE is on the minus strand). VCF-style (leftmost placement, unchanged base first): chr12-132648992-GA-G. GRCh37 (hg19) VCF-style: chr12-133225578-GA-G.
Other names: short protein forms I1362fs.
Identifiers: ClinVar variation 1737659 (VCV001737659.3), dbSNP rs2541941009, ClinGen allele CA2580086170.
Genomic context (GRCh38, chr12:132,648,992, plus strand): 5'-GCGATACGAAGCACCCTCCTCCGCTTTAGCGACTCGCTGGTTCACGTAGAACACACGGGG[GA>G]TGCTCAGCCTGATGCAGTGCAAGTCACTGCCAACGAGCGCCCACAGCCTGAACAGGCCGG-3'

ClinVar aggregate classification (germline): Uncertain significance (1 of 4 stars; one submission).

Conditions:
Hereditary cancer-predisposing syndrome. Also called: Tumor predisposition; Hereditary Cancer Syndrome; Hereditary neoplastic syndrome; Neoplastic Syndromes, Hereditary. Identifiers: Orphanet 140162, MedGen C0027672, MeSH D009386, MONDO:0015356.

Submission:

Ambry Genetics
Classification: Uncertain significance for Hereditary cancer-predisposing syndrome. Last evaluated: 2026-01-16. Review status: criteria provided, single submitter. Criteria: Ambry Variant Classification Scheme 2023. Collection method: clinical testing. Allele origin: germline.
Comment: The c.4085delT variant, located in coding exon 32 of the POLE gene, results from a deletion of one nucleotide at nucleotide position 4085, causing a translational frameshift with a predicted alternate stop codon (p.I1362Tfs*7). This alteration is expected to result in loss of function by premature protein truncation or nonsense-mediated mRNA decay. Although biallelic loss of function of POLE has been associated with autosomal recessive POLE deficiency, haploinsufficiency of POLE has not been established as a mechanism of disease for POLE-related polymerase proofreading-associated polyposis (PPAP) and POLE-related CMMRD-like syndrome. Based on the supporting evidence, this variant is expected to be causative of POLE deficiency when present along with a second pathogenic variant on the other allele; however, its clinical significance for PPAP and POLE-related CMMRD-like syndrome is unclear.